The following is an entry in ClinVar:

ClinVar aggregate classification (germline): Benign/Likely benign. Review status: criteria provided, multiple submitters, no conflicts (2 of 4 stars). 4 submissions from 4 submitters: Benign (2); Likely benign (1). 1 of the submissions does not count toward it. Last evaluated 2024-08-23.

Conditions:
concomitant exotropia.
Brain small vessel disease 2A, autosomal dominant. Also called: Porencephaly 2. Identifiers: Orphanet 2940, Orphanet 99810, MedGen C3280970, MONDO:0013773, OMIM 614483.

Allele frequency attached by ClinVar (database versions not stated): gnomAD 0.00032 and 0.00040; TOPMed 0.00045; ExAC 0.00053; gnomAD exomes 0.00067; 1000 Genomes Project 30x 0.00172; 1000 Genomes Project 0.00200.

Submissions (8):

Blueprint Genetics
Classification: Likely benign. Last evaluated: 2024-08-23. Review status: criteria provided, single submitter. Criteria: ACMG Guidelines, 2015. Collection method: clinical testing. Allele origin: germline.

Labcorp Genetics (formerly Invitae), Labcorp
Classification: Benign. Last evaluated: 2019-12-31. Review status: criteria provided, single submitter. Criteria: Invitae Variant Classification Sherloc (09022015). Collection method: clinical testing. Allele origin: germline.

Illumina Laboratory Services, Illumina
Classification: Benign for Brain small vessel disease 2A, autosomal dominant. Last evaluated: 2018-01-12. Review status: criteria provided, single submitter. Criteria: ICSL Variant Classification Criteria 13 December 2019. Collection method: clinical testing. Allele origin: germline.
Comment: This variant was observed in the ICSL laboratory as part of a predisposition screen in an ostensibly healthy population. It had not been previously curated by ICSL or reported in the Human Gene Mutation Database (HGMD: prior to June 1st, 2018), and was therefore a candidate for classification through an automated scoring system. Utilizing variant allele frequency, disease prevalence and penetrance estimates, and inheritance mode, an automated score was calculated to assess if this variant is too frequent to cause the disease. Based on the score and internal cut-off values, a variant classified as benign is not then subjected to further curation. The score for this variant resulted in a classification of benign for this disease.

Ophthalmology Lab, The First People's Hospital of Yunnan Provience
Classification: Likely pathogenic for concomitant exotropia. Last evaluated: 2024-08-30. Review status: no assertion criteria provided. Collection method: clinical testing. Allele origin: inherited. Affected: yes. Observed: 4 variant alleles. Not counted in ClinVar's aggregate classification.
Comment: Dominant inheritance. COL4A2 is a protein-coding gene associated with brain small vessel disease and intracerebral hemorrhage. Among its related pathways are the integrin pathway and nervous system development. Interestingly, ophthalmic diseases associated with COL4A2 mutations include keratoconus, ocular anterior segment dysgenesis, and nonarteritic anterior ischemic optic neuropathy. Neri et al described a novel COL4A2 mutation presenting with epilepsy and cortical development malformations, and the phenotype included strabismus. In our study, this gene was screened in all three pedigrees with different mutation sites.

Dr. Peter K. Rogan Lab, Western University
No classification provided (evidence only). Condition: Melanoma. Review status: no classification provided. Collection method: in vitro. Allele origin: not applicable. Functional consequence: retained intron. Not counted in ClinVar's aggregate classification.

Dr. Peter K. Rogan Lab, Western University
No classification provided (evidence only). Condition: Melanoma. Review status: no classification provided. Collection method: in vitro. Allele origin: not applicable. Functional consequence: retained intron. Not counted in ClinVar's aggregate classification.

Dr. Peter K. Rogan Lab, Western University
No classification provided (evidence only). Condition: Hepatocellular carcinoma. Review status: no classification provided. Collection method: in vitro. Allele origin: not applicable. Functional consequence: retained intron. Not counted in ClinVar's aggregate classification.

Dr. Peter K. Rogan Lab, Western University
No classification provided (evidence only). Condition: Hepatocellular carcinoma. Review status: no classification provided. Collection method: in vitro. Allele origin: not applicable. Functional consequence: retained intron. Not counted in ClinVar's aggregate classification.

NM_001846.4(COL4A2):c.4255A>G (p.Met1419Val)

Genes: COL4A2 (collagen type IV alpha 2 chain; plus strand), COL4A2-AS1 (COL4A2 antisense RNA 1; minus strand). Cytogenetic location: 13q34.
Variant type: single nucleotide variant.
Coding change: c.4255A>G on transcript NM_001846.4 (MANE Select); coding-DNA position 4255, A replaced by G.
Protein change: p.Met1419Val; replaces methionine 1419 with valine.
Molecular consequence: missense variant.
Genome position (GRCh38, 1-based): chr13:110,503,963, A>G. VCF-style: chr13-110503963-A-G. GRCh37 (hg19) VCF-style: chr13-111156310-A-G.
Other names: NC_000013.10:g.111156310A>G; short protein forms M1419V.
Identifiers: ClinVar variation 311175 (VCV000311175.12), dbSNP rs531809013, ClinGen allele CA7050458.